The following is an entry in ClinVar:

NM_001127208.3(TET2):c.2206T>C (p.Ser736Pro)

Genes: TET2 (tet methylcytosine dioxygenase 2; plus strand), TET2-AS1 (TET2 antisense RNA 1; minus strand). Cytogenetic location: 4q24.
Variant type: single nucleotide variant.
Coding change: c.2206T>C on transcript NM_001127208.3 (MANE Select); coding-DNA position 2206, T replaced by C.
Protein change: p.Ser736Pro; replaces serine 736 with proline.
Molecular consequence: missense variant.
Genome position (GRCh38, 1-based): chr4:105,236,148, T>C. VCF-style: chr4-105236148-T-C. GRCh37 (hg19) VCF-style: chr4-106157305-T-C.
Other names: c.2206T>C, p.Ser736Pro (NM_017628.4); short protein forms S736P.
Identifiers: ClinVar variation 3967629 (VCV003967629.1).
Genomic context (GRCh38, chr4:105,236,148, plus strand): 5'-TCACACCTTTTGCAACATAAGCCTCATAAACAGGCAGCACAAACACAACCATCCCAGAGT[T>C]CACATCTCCCTCAAAACCAGCAACAGCAGCAAAAATTACAAATAAAGAATAAAGAGGAAA-3'
Protein context (NP_001120680.1, residues 726-746): QAAQTQPSQS[Ser736Pro]HLPQNQQQQQ

ClinVar aggregate classification (germline): Uncertain significance (1 of 4 stars; one submission).

Submission:

Ambry Genetics
Classification: Uncertain significance. Last evaluated: 2025-05-15. Review status: criteria provided, single submitter. Criteria: Ambry Variant Classification Scheme 2023. Collection method: clinical testing. Allele origin: germline.
Comment: The p.S736P variant (also known as c.2206T>C), located in coding exon 1 of the TET2 gene, results from a T to C substitution at nucleotide position 2206. The serine at codon 736 is replaced by proline, an amino acid with similar properties. This amino acid position is conserved. In addition, this alteration is predicted to be tolerated by in silico analysis. Based on the available evidence, the clinical significance of this variant remains unclear.